The following is an entry in ClinVar:

ClinVar aggregate classification (germline): Uncertain significance. Review status: criteria provided, multiple submitters, no conflicts (2 of 4 stars). 3 submissions from 3 submitters: Uncertain significance (3). Last evaluated 2024-12-09.

Allele frequency attached by ClinVar (database versions not stated): ESP Exome Variant Server 0.00008.
gnomAD v4.1: 51 of 1,613,958 alleles (0.0032%); highest among the groups gnomAD compares: Non-Finnish European, 0.0042%; no homozygotes.

Submissions (3):

Labcorp Genetics (formerly Invitae), Labcorp
Classification: Uncertain significance. Last evaluated: 2024-12-09. Review status: criteria provided, single submitter. Criteria: Invitae Variant Classification Sherloc (09022015). Collection method: clinical testing. Allele origin: germline.
Comment: This sequence change replaces glutamine, which is neutral and polar, with proline, which is neutral and non-polar, at codon 136 of the EIF2B3 protein (p.Gln136Pro). This variant is present in population databases (rs113994023, gnomAD 0.002%). This missense change has been observed in individual(s) with leukoencephalopathy with vanishing white matter (PMID: 15136673, 20016818). ClinVar contains an entry for this variant (Variation ID: 1443894). Invitae Evidence Modeling of protein sequence and biophysical properties (such as structural, functional, and spatial information, amino acid conservation, physicochemical variation, residue mobility, and thermodynamic stability) indicates that this missense variant is not expected to disrupt EIF2B3 protein function with a negative predictive value of 80%. Experimental studies have shown that this missense change affects EIF2B3 function (PMID: 21560189). In summary, the available evidence is currently insufficient to determine the role of this variant in disease. Therefore, it has been classified as a Variant of Uncertain Significance.

Blueprint Genetics
Classification: Uncertain significance. Last evaluated: 2024-04-16. Review status: criteria provided, single submitter. Criteria: ACMG Guidelines, 2015. Collection method: clinical testing. Allele origin: germline.

Women's Health and Genetics/Laboratory Corporation of America, LabCorp
Classification: Uncertain significance. Last evaluated: 2023-08-31. Review status: criteria provided, single submitter. Criteria: LabCorp Variant Classification Summary - May 2015. Collection method: clinical testing. Allele origin: germline.
Comment: Variant summary: EIF2B3 c.407A>C (p.Gln136Pro) results in a non-conservative amino acid change in the encoded protein sequence. Three of five in-silico tools predict a benign effect of the variant on protein function. The variant allele was found at a frequency of 1.2e-05 in 251256 control chromosomes (gnomAD). The available data on variant occurrences in the general population are insufficient to allow any conclusion about variant significance. c.407A>C has been reported in the literature, initially in the homozygous state, in an individual affected with childhood ataxia with central hypomyelination/vanishing white matter (CACH/VWM), however the same patient was reported in a subsequent publication as having the variant in heterozygosity with no second variant identified (Fogli_2004, Horzinski_2009) . Therefore, these report(s) do not provide unequivocal conclusions about association of the variant with Leukoencephalopathy With Vanishing White Matter. At least two publications report experimental evidence evaluating an impact on protein function. One study examining the variant in a knockout zebrafish model found that the variant was unable to rescue the morphological phenotype (Lee_2021). However the morphological features examined were not necessarily representative of the disease phenotype observed in humans and therefore does not provide strong evidence for the variant effect in a clinical context. Alternatively, an in vitro functional study found the variant had little to no effect on the integrity of eIF2B complexes and had only slightly reduced nucleotide exchange activity, exhibiting approximately 85% activity of the wild type protein (Liu_2011). The following publications have been ascertained in the context of this evaluation (PMID: 15136673, 33517449, 21560189, 20016818). One submitter has cited a clinical-significance assessment for this variant to ClinVar after 2014 and has classified the variant as uncertain significance. Based on the evidence outlined above, the variant was classified as uncertain significance.

Literature cited by the submitters: PubMed 15136673 (cited by Labcorp Genetics (formerly Invitae), Labcorp and Women's Health and Genetics/Laboratory Corporation of America, LabCorp); PubMed 20016818 (cited by Labcorp Genetics (formerly Invitae), Labcorp and Women's Health and Genetics/Laboratory Corporation of America, LabCorp); PubMed 21560189 (cited by Labcorp Genetics (formerly Invitae), Labcorp and Women's Health and Genetics/Laboratory Corporation of America, LabCorp); PubMed 33517449 (cited by Women's Health and Genetics/Laboratory Corporation of America, LabCorp).

NM_020365.5(EIF2B3):c.407A>C (p.Gln136Pro)

Gene: EIF2B3 (eukaryotic translation initiation factor 2B subunit gamma; minus strand). Cytogenetic location: 1p34.1.
Variant type: single nucleotide variant.
Coding change: c.407A>C on transcript NM_020365.5 (MANE Select); coding-DNA position 407, A replaced by C.
Protein change: p.Gln136Pro; replaces glutamine 136 with proline.
Molecular consequence: missense variant.
Genome position (GRCh38, 1-based): chr1:44,941,553, T>G on the plus strand (A>C on the coding strand, the complement: EIF2B3 is on the minus strand). VCF-style: chr1-44941553-T-G. GRCh37 (hg19) VCF-style: chr1-45407225-T-G.
Other names: c.407A>C, p.Gln136Pro (NM_001166588.3, NM_001261418.2); c.407A>C (NM_020365.4); short protein forms Q136P.
Identifiers: ClinVar variation 1443894 (VCV001443894.5), dbSNP rs113994023, ClinGen allele CA824034.